The following is an entry in ClinVar:

ClinVar aggregate classification (germline): Pathogenic/Likely pathogenic. Review status: criteria provided, multiple submitters, no conflicts (2 of 4 stars). 3 submissions from 3 submitters: Pathogenic (1); Likely pathogenic (2). Last evaluated 2026-03-07.

Conditions:
NR2F1-related disorder. Also called: NR2F1-related condition.

Submissions (3):

GeneDx
Classification: Pathogenic. Last evaluated: 2026-03-07. Review status: criteria provided, single submitter. Criteria: GeneDx Variant Classification Process June 2021. Collection method: clinical testing. Allele origin: germline.
Comment: Not observed at significant frequency in large population cohorts (gnomAD); In silico analysis supports that this missense variant has a deleterious effect on protein structure/function; This variant is associated with the following publications: (PMID: 26986877, 34837429, 32407885)

Institute for Medical Genetics and Human Genetics, Charité - Universitätsmedizin Berlin
Classification: Likely pathogenic. Last evaluated: 2022-09-16. Review status: criteria provided, single submitter. Criteria: ACMG Guidelines, 2015. Collection method: clinical testing. Allele origin: germline. Affected: yes. Observed: 1 heterozygote.

Blueprint Genetics
Classification: Likely pathogenic for NR2F1-related disorders. Last evaluated: 2021-02-12. Review status: criteria provided, single submitter. Criteria: ACMG Guidelines, 2015. Collection method: clinical testing. Allele origin: germline. Affected: yes. Observed: 1 variant allele.

NM_005654.6(NR2F1):c.319A>G (p.Lys107Glu)

Genes: NR2F1 (nuclear receptor subfamily 2 group F member 1; plus strand), NR2F1-AS1 (NR2F1 regulatory antisense RNA 1; minus strand). Cytogenetic location: 5q15.
Variant type: single nucleotide variant.
Coding change: c.319A>G on transcript NM_005654.6 (MANE Select); coding-DNA position 319, A replaced by G.
Protein change: p.Lys107Glu; replaces lysine 107 with glutamic acid.
Molecular consequence: missense variant.
Genome position (GRCh38, 1-based): chr5:93,585,342, A>G. VCF-style: chr5-93585342-A-G. GRCh37 (hg19) VCF-style: chr5-92921048-A-G.
Other names: c.319A>G (NM_005654.4); short protein forms K107E.
Identifiers: ClinVar variation 1706592 (VCV001706592.4), dbSNP rs2480802211, ClinGen allele CA360526010.